The following is an entry in ClinVar:

ClinVar aggregate classification (germline): Conflicting classifications of pathogenicity. Review status: criteria provided, conflicting classifications (1 of 4 stars). 16 submissions from 12 submitters: Likely pathogenic (1); Uncertain significance (9); Benign (2); Likely benign (4). Last evaluated 2025-12-23.

Conditions:
TTN-related disorder. Also called: TTN-related condition; TTN-related disease; TTN-related disorders.
Early-onset myopathy with fatal cardiomyopathy (CMYO5). Also called: CONGENITAL MYOPATHY 5 WITH CARDIOMYOPATHY; Salih Myopathy. Identifiers: Orphanet 289377, MedGen C2673677, MONDO:0012714, OMIM 611705. Disease mechanism: loss of function.
Tibial muscular dystrophy (TMD). Also called: Udd Distal Myopathy – Tibial Muscular Dystrophy; UDD MYOPATHY; Tibial muscular dystrophy, tardive. Identifiers: Orphanet 609, MedGen C1838244, MONDO:0010870, OMIM 600334.
Dilated cardiomyopathy 1G (CMD1G). Identifiers: Orphanet 154, MedGen C1858763, MONDO:0011400, OMIM 604145.
Cardiomyopathy (CMYO). Also called: Cardiomyopathies. Identifiers: Orphanet 167848, MedGen C0878544, MONDO:0004994, HP:0001638. Inheritance: Various modes of inheritance.
Myopathy, myofibrillar, 9, with early respiratory failure (MFM9). Also called: Hereditary myopathy with early respiratory failure; Myopathy, distal, with early respiratory failure, autosomal dominant; EDSTROM MYOPATHY; MYOPATHY, PROXIMAL, WITH EARLY RESPIRATORY MUSCLE INVOLVEMENT. Identifiers: Orphanet 178464, Orphanet 34521, MedGen C1863599, MONDO:0011362, OMIM 603689.
Autosomal recessive limb-girdle muscular dystrophy type 2J (LGMDR10). Also called: MUSCULAR DYSTROPHY, LIMB-GIRDLE, AUTOSOMAL RECESSIVE 10; Limb-girdle muscular dystrophy, type 2J. Identifiers: Orphanet 140922, MedGen C1837342, MONDO:0012127, OMIM 608807.
Cardiovascular phenotype. Identifiers: MedGen CN230736.
Tip-toe gait. Also called: Toe walking. Identifiers: MedGen C0427144, HP:0030051.

Allele frequency attached by ClinVar (database versions not stated): TOPMed 0.00007; gnomAD exomes 0.00009 and 0.00013; gnomAD 0.00010 and 0.00011; ExAC 0.00015; 1000 Genomes Project 0.00020; 1000 Genomes Project 30x 0.00031.
gnomAD v4.1: 149 of 1,613,970 alleles (0.0092%); highest among the groups gnomAD compares: South Asian, 0.037%; no homozygotes.

Submissions (16):

PreventionGenetics, part of Exact Sciences
Classification: Uncertain significance for TTN-related condition. Last evaluated: 2025-12-23. Review status: criteria provided, single submitter. Criteria: ACMG Guidelines, 2015. Collection method: clinical testing. Allele origin: germline.
Comment: The TTN c.43G>A variant is predicted to result in the amino acid substitution p.Val15Ile. To our knowledge, this variant has not been reported in the literature. This variant is reported in 0.058% of alleles in individuals of Ashkenazi Jewish descent in gnomAD. Although we suspect that this variant may be benign, at this time, the clinical significance of this variant is uncertain due to the absence of conclusive functional and genetic evidence.

Blueprint Genetics
Classification: Likely benign. Last evaluated: 2024-10-30. Review status: criteria provided, single submitter. Criteria: ACMG Guidelines, 2015. Collection method: clinical testing. Allele origin: germline.

Revvity Omics, Revvity
Classification: Uncertain significance. Last evaluated: 2023-10-31. Review status: criteria provided, single submitter. Criteria: ACMG Guidelines, 2015. Collection method: clinical testing. Allele origin: germline.

Practice for Gait Abnormalities, David Pomarino, Competency Network Toe Walking C/o Practice Pomarino
Classification: Likely pathogenic for Tip-toe gait. Last evaluated: 2022-08-10. Review status: criteria provided, single submitter. Criteria: Pomarino et al. (Glob Med Genet. 2026). Collection method: clinical testing. Allele origin: germline. Affected: yes.
Comment: The TTN gene is associated with several muscle disorders, including tibial muscular dystrophy (Udd myopathy), a late-onset distal myopathy characterized by progressive muscle weakness and atrophy, predominantly affecting the anterior compartment of the lower legs.

Mayo Clinic Laboratories, Mayo Clinic
Classification: Uncertain significance. Last evaluated: 2022-07-25. Review status: criteria provided, single submitter. Criteria: ACMG Guidelines, 2015. Collection method: clinical testing. Allele origin: germline. Observed: 2 variant alleles.
Comment: BS1_supporting

Ambry Genetics
Classification: Likely benign for Cardiovascular phenotype. Last evaluated: 2020-05-29. Review status: criteria provided, single submitter. Criteria: Ambry Variant Classification Scheme 2023. Collection method: clinical testing. Allele origin: germline.

CHEO Genetics Diagnostic Laboratory, Children's Hospital of Eastern Ontario
Classification: Likely benign for Cardiomyopathy. Last evaluated: 2018-03-14. Review status: criteria provided, single submitter. Criteria: ACMG Guidelines, 2015. Collection method: clinical testing. Allele origin: germline.

Illumina Laboratory Services, Illumina
Classification: Uncertain significance for Autosomal recessive limb-girdle muscular dystrophy type 2J. Last evaluated: 2018-01-13. Review status: criteria provided, single submitter. Criteria: ICSL Variant Classification Criteria 13 December 2019. Collection method: clinical testing. Allele origin: germline.

Illumina Laboratory Services, Illumina
Classification: Benign for Tibial muscular dystrophy. Last evaluated: 2018-01-13. Review status: criteria provided, single submitter. Criteria: ICSL Variant Classification Criteria 13 December 2019. Collection method: clinical testing. Allele origin: germline.
Comment: This variant was observed in the ICSL laboratory as part of a predisposition screen in an ostensibly healthy population. It had not been previously curated by ICSL or reported in the Human Gene Mutation Database (HGMD: prior to June 1st, 2018), and was therefore a candidate for classification through an automated scoring system. Utilizing variant allele frequency, disease prevalence and penetrance estimates, and inheritance mode, an automated score was calculated to assess if this variant is too frequent to cause the disease. Based on the score and internal cut-off values, a variant classified as benign is not then subjected to further curation. The score for this variant resulted in a classification of benign for this disease.

Illumina Laboratory Services, Illumina
Classification: Benign for Myopathy, myofibrillar, 9, with early respiratory failure. Last evaluated: 2018-01-13. Review status: criteria provided, single submitter. Criteria: ICSL Variant Classification Criteria 13 December 2019. Collection method: clinical testing. Allele origin: germline.
Comment: the same text as in the submission from Illumina Laboratory Services, Illumina above.

Illumina Laboratory Services, Illumina
Classification: Uncertain significance for Dilated cardiomyopathy 1G. Last evaluated: 2018-01-13. Review status: criteria provided, single submitter. Criteria: ICSL Variant Classification Criteria 13 December 2019. Collection method: clinical testing. Allele origin: germline.

Illumina Laboratory Services, Illumina
Classification: Uncertain significance for Early-onset myopathy with fatal cardiomyopathy. Last evaluated: 2018-01-13. Review status: criteria provided, single submitter. Criteria: ICSL Variant Classification Criteria 13 December 2019. Collection method: clinical testing. Allele origin: germline.

Labcorp Genetics (formerly Invitae), Labcorp
Classification: Uncertain significance for Dilated cardiomyopathy 1G; Autosomal recessive limb-girdle muscular dystrophy type 2J. Last evaluated: 2016-12-30. Review status: criteria provided, single submitter. Criteria: Invitae Variant Classification Sherloc (09022015). Collection method: clinical testing. Allele origin: germline.

Eurofins Ntd Llc (ga)
Classification: Uncertain significance. Last evaluated: 2015-09-27. Review status: criteria provided, single submitter. Criteria: EGL Classification Definitions 2015. Collection method: clinical testing. Allele origin: germline. Observed: 2 variant alleles, 2 heterozygotes.

Laboratory for Molecular Medicine, Mass General Brigham Personalized Medicine
Classification: Uncertain significance. Last evaluated: 2014-12-31. Review status: criteria provided, single submitter. Criteria: LMM Criteria. Collection method: clinical testing. Allele origin: germline. Observed: 1 variant allele.
Comment: The p.Val15Ile variant in TTN has not been previously reported in individuals wi th cardiomyopathy, but has been identified in 9/16166 of South Asian chromosomes by the Exome Aggregation Consortium (ExAC; dbSN P rs201857541). This frequency is too low to confidently rule out a disease-caus ing role. Computational prediction tools and conservation analysis do not provid e strong support for or against an impact to the protein. In summary, the clinic al significance of the p.Val15Ile variant is uncertain.

Biesecker Lab/Clinical Genomics Section, National Institutes of Health
Classification: Likely benign. Last evaluated: 2013-06-24. Review status: criteria provided, single submitter. Criteria: Ng et al. (Circ Cardiovasc Genet. 2013). Collection method: research. Allele origin: unknown. Observed: 2 variant alleles. Study: ClinSeq.
Comment: The study set was not selected for affection status in relation to any cancer. Pathogenicity categories were based on literature curation. See Pubmed ID:23861362 for details.

Medical sequencing

Literature cited by the submitters: PubMed 42325805 (cited by Practice for Gait Abnormalities, David Pomarino, Competency Network Toe Walking C/o Practice Pomarino); PubMed 37091313 (cited by Practice for Gait Abnormalities, David Pomarino, Competency Network Toe Walking C/o Practice Pomarino); PubMed 42598074 (cited by Practice for Gait Abnormalities, David Pomarino, Competency Network Toe Walking C/o Practice Pomarino); PubMed 39277846 (cited by Practice for Gait Abnormalities, David Pomarino, Competency Network Toe Walking C/o Practice Pomarino); PubMed 20301498 (cited by Practice for Gait Abnormalities, David Pomarino, Competency Network Toe Walking C/o Practice Pomarino); PubMed 18948003 (cited by Practice for Gait Abnormalities, David Pomarino, Competency Network Toe Walking C/o Practice Pomarino); PubMed 12145747 (cited by Practice for Gait Abnormalities, David Pomarino, Competency Network Toe Walking C/o Practice Pomarino); PubMed 19911250 (cited by Practice for Gait Abnormalities, David Pomarino, Competency Network Toe Walking C/o Practice Pomarino); PubMed 12891679 (cited by Practice for Gait Abnormalities, David Pomarino, Competency Network Toe Walking C/o Practice Pomarino); PubMed 27796757 (cited by Practice for Gait Abnormalities, David Pomarino, Competency Network Toe Walking C/o Practice Pomarino); PubMed 28295036 (cited by Practice for Gait Abnormalities, David Pomarino, Competency Network Toe Walking C/o Practice Pomarino); PubMed 34440373 (cited by Practice for Gait Abnormalities, David Pomarino, Competency Network Toe Walking C/o Practice Pomarino); PubMed 39807212 (cited by Practice for Gait Abnormalities, David Pomarino, Competency Network Toe Walking C/o Practice Pomarino); PubMed 41246854 (cited by Practice for Gait Abnormalities, David Pomarino, Competency Network Toe Walking C/o Practice Pomarino); PubMed 23861362 (cited by Ambry Genetics and Laboratory for Molecular Medicine, Mass General Brigham Personalized Medicine).

NM_001267550.2(TTN):c.43G>A (p.Val15Ile)

Gene: TTN (titin; minus strand). Cytogenetic location: 2q31.2.
Variant type: single nucleotide variant.
Coding change: c.43G>A on transcript NM_001267550.2 (MANE Select); coding-DNA position 43, G replaced by A.
Protein change: p.Val15Ile; replaces valine 15 with isoleucine.
Molecular consequence: missense variant.
Genome position (GRCh38, 1-based): chr2:178,804,600, C>T on the plus strand (G>A on the coding strand, the complement: TTN is on the minus strand). VCF-style: chr2-178804600-C-T. GRCh37 (hg19) VCF-style: chr2-179669327-C-T.
Other names: c.43G>A, p.Val15Ile (NM_003319.4, NM_133379.5, NM_133432.3 and 3 more transcripts); short protein forms V15I.
Identifiers: ClinVar variation 192180 (VCV000192180.25), dbSNP rs201857541, ClinGen allele CA238531.